The following is an entry in ClinVar:

NM_000260.4(MYO7A):c.2982_2983dup (p.Asp995fs)

Gene: MYO7A (myosin VIIA; plus strand). Cytogenetic location: 11q13.5.
Variant type: Duplication.
Coding change: c.2982_2983dup on transcript NM_000260.4 (MANE Select); coding-DNA positions 2982 to 2983, 2 bases duplicated (GG; older notation c.2982_2983dupGG).
Protein change: p.Asp995fs; shifts the reading frame from aspartic acid 995.
Molecular consequence: frameshift variant.
Genome position (GRCh38, 1-based): chr11:77,182,028-77,182,029, GG duplicated. VCF-style (leftmost placement, unchanged base first): chr11-77182027-A-AGG. GRCh37 (hg19) VCF-style: chr11-76893073-A-AGG.
Other names: c.2982_2983dup, p.Asp995fs (NM_001127180.2); c.2949_2950dup, p.Asp984fs (NM_001369365.1); short protein forms D995fs, D984fs.
Identifiers: ClinVar variation 2029595 (VCV002029595.4), dbSNP rs2497220814, ClinGen allele CA2580084968.

ClinVar aggregate classification (germline): Pathogenic (1 of 4 stars; one submission).

Submission:

Labcorp Genetics (formerly Invitae), Labcorp
Classification: Pathogenic. Last evaluated: 2022-09-09. Review status: criteria provided, single submitter. Criteria: Invitae Variant Classification Sherloc (09022015). Collection method: clinical testing. Allele origin: germline.
Comment: For these reasons, this variant has been classified as Pathogenic. This variant has not been reported in the literature in individuals affected with MYO7A-related conditions. This variant is not present in population databases (gnomAD no frequency). This sequence change creates a premature translational stop signal (p.Asp995Glyfs*68) in the MYO7A gene. It is expected to result in an absent or disrupted protein product. Loss-of-function variants in MYO7A are known to be pathogenic (PMID: 8900236, 25404053).

Literature cited by the submitters: PubMed 8900236; PubMed 25404053.